The following is an entry in ClinVar:

ClinVar aggregate classification (germline): Uncertain significance (1 of 4 stars; one submission).

Submission:

Labcorp Genetics (formerly Invitae), Labcorp
Classification: Uncertain significance. Last evaluated: 2021-09-15. Review status: criteria provided, single submitter. Criteria: Invitae Variant Classification Sherloc (09022015). Collection method: clinical testing. Allele origin: germline.
Comment: This sequence change replaces glutamic acid with glycine at codon 716 of the AHR protein (p.Glu716Gly). The glutamic acid residue is weakly conserved and there is a moderate physicochemical difference between glutamic acid and glycine. This variant is not present in population databases (ExAC no frequency). This variant has not been reported in the literature in individuals affected with AHR-related conditions. Algorithms developed to predict the effect of missense changes on protein structure and function are either unavailable or do not agree on the potential impact of this missense change (SIFT: "Deleterious"; PolyPhen-2: "Benign"; Align-GVGD: "Class C25"). In summary, the available evidence is currently insufficient to determine the role of this variant in disease. Therefore, it has been classified as a Variant of Uncertain Significance.

NM_001621.5(AHR):c.2147A>G (p.Glu716Gly)

Gene: AHR (aryl hydrocarbon receptor; plus strand). Cytogenetic location: 7p21.1.
Variant type: single nucleotide variant.
Coding change: c.2147A>G on transcript NM_001621.5 (MANE Select); coding-DNA position 2147, A replaced by G.
Protein change: p.Glu716Gly; replaces glutamic acid 716 with glycine.
Molecular consequence: missense variant.
Genome position (GRCh38, 1-based): chr7:17,339,972, A>G. VCF-style: chr7-17339972-A-G. GRCh37 (hg19) VCF-style: chr7-17379596-A-G.
Other names: short protein forms E716G.
Identifiers: ClinVar variation 1518748 (VCV001518748.6), dbSNP rs2115370296, ClinGen allele CA366896213.